The following is an entry in ClinVar:

ClinVar aggregate classification (germline): Benign/Likely benign. Review status: criteria provided, multiple submitters, no conflicts (2 of 4 stars). 2 submissions from 2 submitters: Benign (1); Likely benign (1). Last evaluated 2025-08-20.

Allele frequency attached by ClinVar (database versions not stated): gnomAD 0.00002; gnomAD exomes 0.00002 and 0.00005; ExAC 0.00003; TOPMed 0.00005.
gnomAD v4.1: 83 of 1,610,334 alleles (0.0052%); highest among the groups gnomAD compares: Non-Finnish European, 0.0062%; no homozygotes.

Submissions (2):

Labcorp Genetics (formerly Invitae), Labcorp
Classification: Benign. Last evaluated: 2025-08-20. Review status: criteria provided, single submitter. Criteria: Invitae Variant Classification Sherloc (09022015). Collection method: clinical testing. Allele origin: germline.

CeGaT Center for Human Genetics Tuebingen
Classification: Likely benign. Last evaluated: 2024-08-01. Review status: criteria provided, single submitter. Criteria: CeGaT Center For Human Genetics Tuebingen Variant Classification Criteria Version 2. Collection method: clinical testing. Allele origin: germline. Affected: yes. Observed: 2 variant alleles.
Comment: SLC1A2: BP4, BP7

NM_004171.4(SLC1A2):c.1314C>T (p.Gly438=)

Gene: SLC1A2 (solute carrier family 1 member 2; minus strand). Cytogenetic location: 11p13.
Variant type: single nucleotide variant.
Coding change: c.1314C>T on transcript NM_004171.4 (MANE Select); coding-DNA position 1314, C replaced by T.
Protein change: p.Gly438=; no amino-acid change (glycine 438 retained).
Molecular consequence: synonymous variant.
Genome position (GRCh38, 1-based): chr11:35,280,974, G>A on the plus strand (C>T on the coding strand, the complement: SLC1A2 is on the minus strand). VCF-style: chr11-35280974-G-A. GRCh37 (hg19) VCF-style: chr11-35302521-G-A.
Other names: c.1287C>T, p.Gly429= (NM_001195728.3, NM_001252652.2).
Identifiers: ClinVar variation 1694636 (VCV001694636.36), dbSNP rs760683483, ClinGen allele CA5947101.